The following is an entry in ClinVar:

NM_003183.6(ADAM17):c.1819C>G (p.Leu607Val)

Genes: ADAM17 (ADAM metallopeptidase domain 17; minus strand), IAH1 (isoamyl acetate hydrolyzing esterase 1 (putative); plus strand). Cytogenetic location: 2p25.1.
Variant type: single nucleotide variant.
Coding change: c.1819C>G on transcript NM_003183.6 (MANE Select); coding-DNA position 1819, C replaced by G.
Protein change: p.Leu607Val; replaces leucine 607 with valine.
Molecular consequence: missense variant.
Genome position (GRCh38, 1-based): chr2:9,494,732, G>C on the plus strand (C>G on the coding strand, the complement: ADAM17 is on the minus strand). VCF-style: chr2-9494732-G-C. GRCh37 (hg19) VCF-style: chr2-9634861-G-C.
Other names: c.1159C>G, p.Leu387Val (NM_001382777.1); c.922C>G, p.Leu308Val (NM_001382778.1); c.1819C>G (NM_003183.4); short protein forms L308V, L387V, L607V.
Identifiers: ClinVar variation 1037933 (VCV001037933.6), dbSNP rs988994141, ClinGen allele CA42370363.

ClinVar aggregate classification (germline): Uncertain significance. Review status: criteria provided, multiple submitters, no conflicts (2 of 4 stars). 2 submissions from 2 submitters: Uncertain significance (2). Last evaluated 2025-12-15.

Conditions:
Inflammatory skin and bowel disease, neonatal, 1. Identifiers: Orphanet 294023, MedGen C3280501, MONDO:0013693, OMIM 614328.
Inborn genetic diseases. Identifiers: MedGen C0950123, MeSH D030342.

Allele frequency attached by ClinVar (database versions not stated): gnomAD 0.00001; gnomAD exomes 0.00001; TOPMed 0.00001.
gnomAD v4.1: 12 of 1,613,962 alleles (0.00074%); highest among the groups gnomAD compares: Non-Finnish European, 0.001%; no homozygotes.

Submissions (2):

Ambry Genetics
Classification: Uncertain significance for Inborn genetic diseases. Last evaluated: 2025-12-15. Review status: criteria provided, single submitter. Criteria: Ambry Variant Classification Scheme 2023. Collection method: clinical testing. Allele origin: germline.

Labcorp Genetics (formerly Invitae), Labcorp
Classification: Uncertain significance for Inflammatory skin and bowel disease, neonatal, 1. Last evaluated: 2023-08-04. Review status: criteria provided, single submitter. Criteria: Invitae Variant Classification Sherloc (09022015). Collection method: clinical testing. Allele origin: germline.
Comment: In summary, the available evidence is currently insufficient to determine the role of this variant in disease. Therefore, it has been classified as a Variant of Uncertain Significance. An algorithm developed to predict the effect of missense changes on protein structure and function (PolyPhen-2) suggests that this variant¬†is likely to be tolerated. ClinVar contains an entry for this variant (Variation ID: 1037933). This variant has not been reported in the literature in individuals affected with ADAM17-related conditions. This variant is present in population databases (no rsID available, gnomAD 0.002%). This sequence change replaces leucine, which is neutral and non-polar, with valine, which is neutral and non-polar, at codon 607 of the ADAM17 protein (p.Leu607Val).